The following is an entry in ClinVar:

ClinVar aggregate classification (germline): Uncertain significance. Review status: criteria provided, multiple submitters, no conflicts (2 of 4 stars). 2 submissions from 2 submitters: Uncertain significance (2). Last evaluated 2023-12-02.

Allele frequency attached by ClinVar (database versions not stated): TOPMed below 0.00001; ExAC 0.00001; gnomAD exomes 0.00001.

Submissions (2):

Labcorp Genetics (formerly Invitae), Labcorp
Classification: Uncertain significance. Last evaluated: 2023-12-02. Review status: criteria provided, single submitter. Criteria: Invitae Variant Classification Sherloc (09022015). Collection method: clinical testing. Allele origin: germline.
Comment: This sequence change replaces glutamine, which is neutral and polar, with arginine, which is basic and polar, at codon 1191 of the NPAT protein (p.Gln1191Arg). This variant is present in population databases (rs1051525, gnomAD 0.0009%). This variant has not been reported in the literature in individuals affected with NPAT-related conditions. ClinVar contains an entry for this variant (Variation ID: 1732808). An algorithm developed to predict the effect of missense changes on protein structure and function (PolyPhen-2) suggests that this variant is likely to be disruptive. In summary, the available evidence is currently insufficient to determine the role of this variant in disease. Therefore, it has been classified as a Variant of Uncertain Significance.

Ambry Genetics
Classification: Uncertain significance. Last evaluated: 2022-04-21. Review status: criteria provided, single submitter. Criteria: Ambry Variant Classification Scheme 2023. Collection method: clinical testing. Allele origin: germline.
Comment: The p.Q1191R variant (also known as c.3572A>G), located in coding exon 17 of the NPAT gene, results from an A to G substitution at nucleotide position 3572. The glutamine at codon 1191 is replaced by arginine, an amino acid with highly similar properties. This amino acid position is conserved. In addition, this alteration is predicted to be tolerated by in silico analysis. Since supporting evidence is limited at this time, the clinical significance of this alteration remains unclear.

NM_002519.3(NPAT):c.3572A>G (p.Gln1191Arg)

Gene: NPAT (nuclear protein, coactivator of histone transcription; minus strand). Cytogenetic location: 11q22.3.
Variant type: single nucleotide variant.
Coding change: c.3572A>G on transcript NM_002519.3 (MANE Select); coding-DNA position 3572, A replaced by G.
Protein change: p.Gln1191Arg; replaces glutamine 1191 with arginine.
Molecular consequence: missense variant.
Genome position (GRCh38, 1-based): chr11:108,161,514, T>C on the plus strand (A>G on the coding strand, the complement: NPAT is on the minus strand). VCF-style: chr11-108161514-T-C. GRCh37 (hg19) VCF-style: chr11-108032241-T-C.
Other names: c.3593A>G, p.Gln1198Arg (NM_001321307.1); short protein forms Q1191R, Q1198R.
Identifiers: ClinVar variation 1732808 (VCV001732808.5), dbSNP rs1051525, ClinGen allele CA6263562.